The following is an entry in ClinVar:

ClinVar aggregate classification (germline): Likely pathogenic. Review status: reviewed by expert panel (3 of 4 stars). 2 submissions from 2 submitters: Likely pathogenic (1). 1 of the submissions does not count toward it. Last evaluated 2025-08-05.

Conditions:
Monogenic diabetes. Identifiers: Orphanet 183625, MedGen C3888631, MONDO:0015967.

Submissions (2):

ClinGen Monogenic Diabetes Variant Curation Expert Panel
Classification: Likely pathogenic for Monogenic diabetes. Last evaluated: 2025-08-05. Review status: reviewed by expert panel. Criteria: ClinGen Diabetes ACMG Specifications HNF1A V3.0.0. Collection method: curation. Allele origin: germline. Inheritance: Autosomal dominant inheritance.
Comment: The c.397G>A variant in the HNF1 homeobox A gene, HNF1A, causes an amino acid change of valine to methionine at codon 133 (p.(Val133Met)) of NM_000545.8. This variant is located within a conserved region of the DNA binding domain (codons 107-174 and 201-280) of HNF1A, which is defined as critical for the protein’s function by the ClinGen MDEP (PM1_Supporting). This variant is also predicted to be deleterious by computational evidence, with a REVEL score of 0.974, which is greater than the MDEP VCEP threshold of 0.70 (PP3). This variant is absent in gnomAD v4.1.0 (PM2_Supporting), and was identified in at least five unrelated individuals with non-autoimmune and non-absolute/near-absolute insulin-deficient diabetes (PS4_Moderate; PMID 10754480, PMID 21170474, PMID 17573900, internal lab contributors). Due to lack of individual level data and/or lack of testing for HNF4A, PP4 could not be applied to any of these cases. This variant segregated with diabetes, with three informative meioses in one family (PP1; PMID 10754480). While studies exploring the effect of this variant on protein function have been performed, these studies do not meet the criteria set forth by the MDEP for the application of PS3 or BS3 (PMID: 21170474). In summary, the c.397G>A variant meets the criteria to be classified as likely pathogenic for monogenic diabetes. ACMG/AMP criteria applied, as specified by the ClinGen MDEP (specification version 3.0.0, approved 6/30/2025): PS4_Moderate, PP1, PP3, PM1_Supporting, PM2_Supporting.

Labcorp Genetics (formerly Invitae), Labcorp
Classification: Likely pathogenic. Last evaluated: 2021-07-17. Review status: criteria provided, single submitter. Criteria: Invitae Variant Classification Sherloc (09022015). Collection method: clinical testing. Allele origin: germline. Not counted in ClinVar's aggregate classification.
Comment: This variant has been observed in individual(s) with MODY, type III (PMID: 10754480). It has also been observed to segregate with disease in related individuals. This variant is not present in population databases (ExAC no frequency). In summary, the currently available evidence indicates that the variant is pathogenic, but additional data are needed to prove that conclusively. Therefore, this variant has been classified as Likely Pathogenic. Experimental studies are conflicting or provide insufficient evidence to determine the effect of this variant on HNF1A protein function (PMID: 21170474). Advanced modeling of protein sequence and biophysical properties (such as structural, functional, and spatial information, amino acid conservation, physicochemical variation, residue mobility, and thermodynamic stability) performed at Invitae indicates that this missense variant is expected to disrupt HNF1A protein function. This sequence change replaces valine with methionine at codon 133 of the HNF1A protein (p.Val133Met). The valine residue is highly conserved and there is a small physicochemical difference between valine and methionine.

Literature cited by the submitters: PubMed 10754480 (cited by ClinGen Monogenic Diabetes Variant Curation Expert Panel and Labcorp Genetics (formerly Invitae), Labcorp); PubMed 21170474 (cited by ClinGen Monogenic Diabetes Variant Curation Expert Panel and Labcorp Genetics (formerly Invitae), Labcorp); PubMed 17573900 (cited by ClinGen Monogenic Diabetes Variant Curation Expert Panel).

NM_000545.8(HNF1A):c.397G>A (p.Val133Met)

Gene: HNF1A (HNF1 homeobox A; plus strand). Cytogenetic location: 12q24.31.
Variant type: single nucleotide variant.
Coding change: c.397G>A on transcript NM_000545.8 (MANE Select); coding-DNA position 397, G replaced by A.
Protein change: p.Val133Met; replaces valine 133 with methionine.
Molecular consequence: missense variant.
Genome position (GRCh38, 1-based): chr12:120,988,903, G>A. VCF-style: chr12-120988903-G-A. GRCh37 (hg19) VCF-style: chr12-121426706-G-A.
Other names: NM_001306179.2:c.397G>A; c.397G>A, p.Val133Met (NM_001306179.2); short protein forms V133M.
Identifiers: ClinVar variation 1479078 (VCV001479078.10), dbSNP rs2135832611, ClinGen allele CA386959501.
Genomic context (GRCh38, chr12:120,988,903, plus strand): 5'-TGGCGTGTGGCGAAGATGGTCAAGTCCTACCTGCAGCAGCACAACATCCCACAGCGGGAG[G>A]TGGTCGATACCACTGGCCTCAACCAGTCCCACCTGTCCCAACACCTCAACAAGGGCACTC-3'
Protein context (NP_000536.6, residues 123-143): LQQHNIPQRE[Val133Met]VDTTGLNQSH